The following is an entry in ClinVar:

NM_000138.5(FBN1):c.5674del (p.Asp1891_Ile1892insTer)

Gene: FBN1 (fibrillin 1; minus strand). Cytogenetic location: 15q21.1.
Variant type: Deletion.
Coding change: c.5674del on transcript NM_000138.5 (MANE Select); coding-DNA position 5674, one base deleted (A; older notation c.5674delA).
Protein change: p.Asp1891_Ile1892insTer.
Molecular consequence: nonsense. On other transcripts: frameshift variant (1).
Genome position (GRCh38, 1-based): chr15:48,446,820, T deleted on the plus strand (A on the coding strand, the reverse complement: FBN1 is on the minus strand). VCF-style (leftmost placement, unchanged base first): chr15-48446819-AT-A. GRCh37 (hg19) VCF-style: chr15-48739016-AT-A.
Other names: c.5674delA, p.Ile1892Terfs (NM_001406716.1).
Identifiers: ClinVar variation 2031745 (VCV002031745.4), dbSNP rs2505458910, ClinGen allele CA2580089702.
Genomic context (GRCh38, chr15:48,446,819, plus strand): 5'-AAGGAACCAATTGTGTTCCGGCAAGTTCCATTCCCACAGGCATCTCTTTCACATTCATTT[AT>A]GTCTAGTAGGAAGAAAGGCCATAAAGAAACATAATTATAAGTAGAAAAAGTGGTTACACG-3'

ClinVar aggregate classification (germline): Pathogenic (1 of 4 stars; one submission).

Conditions:
Familial thoracic aortic aneurysm and aortic dissection (TAAD). Also called: Thoracic aortic aneurysms and dissections. Identifiers: Orphanet 91387, MedGen C4707243, MONDO:0019625.
Marfan syndrome (MFS). Also called: MARFAN SYNDROME, TYPE I; Marfan syndrome type 1; Marfan's syndrome; Marfan syndrome, classic; FBN1-Related Marfan Syndrome. Identifiers: Orphanet 284963, Orphanet 558, MedGen C0024796, MONDO:0007947, OMIM 154700.

Submission:

Labcorp Genetics (formerly Invitae), Labcorp
Classification: Pathogenic for Marfan syndrome; Familial thoracic aortic aneurysm and aortic dissection. Last evaluated: 2022-09-22. Review status: criteria provided, single submitter. Criteria: Invitae Variant Classification Sherloc (09022015). Collection method: clinical testing. Allele origin: germline.
Comment: For these reasons, this variant has been classified as Pathogenic. This variant has not been reported in the literature in individuals affected with FBN1-related conditions. This variant is not present in population databases (gnomAD no frequency). This sequence change creates a premature translational stop signal (p.Ile1892*) in the FBN1 gene. It is expected to result in an absent or disrupted protein product. Loss-of-function variants in FBN1 are known to be pathogenic (PMID: 17657824, 19293843).

Literature cited by the submitters: PubMed 17657824; PubMed 19293843.